The following is an entry in ClinVar:

NM_001352514.2(HLCS):c.2398del (p.Asp800fs)

Gene: HLCS (holocarboxylase synthetase; minus strand). Cytogenetic location: 21q22.13.
Variant type: Deletion.
Coding change: c.2398del on transcript NM_001352514.2 (MANE Select); coding-DNA position 2398, one base deleted (G; older notation c.2398delG).
Protein change: p.Asp800fs; shifts the reading frame from aspartic acid 800.
Molecular consequence: frameshift variant. On other transcripts: non-coding transcript variant (2).
Genome position (GRCh38, 1-based): chr21:36,756,594, C deleted on the plus strand (G on the coding strand, the reverse complement: HLCS is on the minus strand); the first of 2 consecutive C bases (chr21:36,756,594-36,756,595); deleting either gives the same sequence. VCF-style (leftmost placement, unchanged base first): chr21-36756593-TC-T. GRCh37 (hg19) VCF-style: chr21-38128894-TC-T.
Other names: c.1957del, p.Asp653fs (NM_000411.8, NM_001242784.3, NM_001242785.2 and 4 more transcripts); short protein forms D653fs, D800fs.
Identifiers: ClinVar variation 3727270 (VCV003727270.2).

ClinVar aggregate classification (germline): Pathogenic (1 of 4 stars; one submission).

Conditions:
Holocarboxylase synthetase deficiency. Also called: MULTIPLE CARBOXYLASE DEFICIENCY, EARLY ONSET. Identifiers: Orphanet 79242, MedGen C0268581, MONDO:0009666, OMIM 253270.

Submission:

Labcorp Genetics (formerly Invitae), Labcorp
Classification: Pathogenic for Holocarboxylase synthetase deficiency. Last evaluated: 2024-12-14. Review status: criteria provided, single submitter. Criteria: Invitae Variant Classification Sherloc (09022015). Collection method: clinical testing. Allele origin: germline.
Comment: This sequence change creates a premature translational stop signal (p.Asp653Thrfs*53) in the HLCS gene. While this is not anticipated to result in nonsense mediated decay, it is expected to disrupt the last 74 amino acid(s) of the HLCS protein. This variant is not present in population databases (gnomAD no frequency). This variant has not been reported in the literature in individuals affected with HLCS-related conditions. This variant disrupts a region of the HLCS protein in which other variant(s) (p.Gln696*) have been determined to be pathogenic (PMID: 11124959; internal data). This suggests that this is a clinically significant region of the protein, and that variants that disrupt it are likely to be disease-causing. For these reasons, this variant has been classified as Pathogenic.

Literature cited by the submitters: PubMed 11124959.